The following is an entry in ClinVar:

ClinVar aggregate classification (germline): Likely pathogenic (1 of 4 stars; one submission).

Conditions:
Neuronal ceroid lipofuscinosis 1 (CLN1). Also called: PPT1-Related Neuronal Ceroid-Lipofuscinosis; CEROID LIPOFUSCINOSIS, NEURONAL, 1, VARIABLE AGE AT ONSET. Identifiers: Orphanet 228329, MedGen C1850451, MONDO:0009744, OMIM 256730.

Submission:

Labcorp Genetics (formerly Invitae), Labcorp
Classification: Likely pathogenic for Neuronal ceroid lipofuscinosis 1. Last evaluated: 2022-03-23. Review status: criteria provided, single submitter. Criteria: Invitae Variant Classification Sherloc (09022015). Collection method: clinical testing. Allele origin: germline.
Comment: In summary, the currently available evidence indicates that the variant is pathogenic, but additional data are needed to prove that conclusively. Therefore, this variant has been classified as Likely Pathogenic. Algorithms developed to predict the effect of sequence changes on RNA splicing suggest that this variant may disrupt the consensus splice site. This sequence change affects an acceptor splice site in intron 4 of the PPT1 gene. It is expected to disrupt RNA splicing. Variants that disrupt the donor or acceptor splice site typically lead to a loss of protein function (PMID: 16199547), and loss-of-function variants in PPT1 are known to be pathogenic (PMID: 10679943, 21990111). This variant is not present in population databases (gnomAD no frequency). This variant has not been reported in the literature in individuals affected with PPT1-related conditions.

Literature cited by the submitters: PubMed 16199547; PubMed 10679943; PubMed 21990111.

NM_000310.4(PPT1):c.434-1G>C

Gene: PPT1 (palmitoyl-protein thioesterase 1; minus strand). Cytogenetic location: 1p34.2.
Variant type: single nucleotide variant.
Coding change: c.434-1G>C on transcript NM_000310.4 (MANE Select); the canonical splice acceptor site of the intron before coding-DNA position 434, G replaced by C.
Molecular consequence: splice acceptor variant.
Genome position (GRCh38, 1-based): chr1:40,089,513, C>G on the plus strand (G>C on the coding strand, the complement: PPT1 is on the minus strand). VCF-style: chr1-40089513-C-G. GRCh37 (hg19) VCF-style: chr1-40555185-C-G.
Other names: c.125-1G>C (NM_001142604.2); c.434-1G>C (NM_001363695.2).
Identifiers: ClinVar variation 2115896 (VCV002115896.4), dbSNP rs776987537, ClinGen allele CA339848785.
Genomic context (GRCh38, chr1:40,089,513, plus strand): 5'-TTCGGATGAAGTCACAGATGTGAGAGCTCTCTCCTGGGCATCGAGGGAGTCCAAAAACAC[C>G]TACAGTGGTAGATGACAAATATCCACTCCTTCAATAATGATGTATCGAATACCCACTATG-3'